The following is an entry in ClinVar:

ClinVar aggregate classification (germline): Benign. Review status: criteria provided, multiple submitters, no conflicts (2 of 4 stars). 7 submissions from 6 submitters: Benign (4). 3 of the submissions do not count toward it. Last evaluated 2026-02-04.

Conditions:
Congenital stationary night blindness 1H. Identifiers: MedGen C4310758, MONDO:0014872, OMIM 617024.
GNB3-related condition.
GNB3 POLYMORPHISM.
Hypertension, essential, susceptibility to.

Allele frequency attached by ClinVar (database versions not stated): ESP Exome Variant Server 0.44979; 1000 Genomes Project 30x 0.50141; gnomAD exomes 0.35674 and 0.32454; ExAC 0.35977; gnomAD 0.43936 and 0.44600; TOPMed 0.46612; 1000 Genomes Project 0.49221.
gnomAD v4.1: 543,102 of 1,613,364 alleles (34%); highest among the groups gnomAD compares: African/African-American, 75%; 100,362 homozygotes.

Submissions (7):

Labcorp Genetics (formerly Invitae), Labcorp
Classification: Benign. Last evaluated: 2026-02-04. Review status: criteria provided, single submitter. Criteria: Invitae Variant Classification Sherloc (09022015). Collection method: clinical testing. Allele origin: germline.

Genome-Nilou Lab
Classification: Benign for Congenital stationary night blindness 1H. Last evaluated: 2021-08-10. Review status: criteria provided, single submitter. Criteria: ACMG Guidelines, 2015. Collection method: clinical testing. Allele origin: germline. Affected: no.

GeneDx
Classification: Benign. Last evaluated: 2018-03-14. Review status: criteria provided, single submitter. Criteria: GeneDx Variant Classification (06012015). Collection method: clinical testing. Allele origin: germline. Affected: yes.
Comment: This variant is considered likely benign or benign based on one or more of the following criteria: it is a conservative change, it occurs at a poorly conserved position in the protein, it is predicted to be benign by multiple in silico algorithms, and/or has population frequency not consistent with disease.

Breakthrough Genomics
Classification: Benign. Review status: criteria provided, single submitter. Criteria: ACMG Guidelines, 2015. Collection method: not provided. Allele origin: germline. Inheritance: Multifactorial inheritance. Affected: yes.

PreventionGenetics, part of Exact Sciences
Classification: Benign for GNB3-related condition. Last evaluated: 2024-06-24. Review status: no assertion criteria provided. Collection method: clinical testing. Allele origin: germline. Not counted in ClinVar's aggregate classification.
Comment: This variant is classified as benign based on ACMG/AMP sequence variant interpretation guidelines (Richards et al. 2015 PMID: 25741868, with internal and published modifications).

OMIM
Classification: Benign for GNB3 POLYMORPHISM. Last evaluated: 2003-04-01. Review status: no assertion criteria provided. Collection method: literature only. Allele origin: germline. Not counted in ClinVar's aggregate classification.

OMIM
Classification: risk factor for HYPERTENSION, ESSENTIAL, SUSCEPTIBILITY TO. Last evaluated: 2003-04-01. Review status: no assertion criteria provided. Collection method: literature only. Allele origin: germline. Not counted in ClinVar's aggregate classification.

Literature cited by the submitters: PubMed 9425898 (cited by OMIM); PubMed 10523525 (cited by OMIM); PubMed 10477144 (cited by OMIM); PubMed 10770310 (cited by OMIM); PubMed 10770309 (cited by OMIM); PubMed 10770297 (cited by OMIM); PubMed 11322952 (cited by OMIM); PubMed 12668921 (cited by OMIM).

NM_002075.4(GNB3):c.825C>T (p.Ser275=)

Genes: CDCA3 (cell division cycle associated 3; minus strand), GNB3 (G protein subunit beta 3; plus strand). Cytogenetic location: 12p13.31.
Variant type: single nucleotide variant.
Coding change: c.825C>T on transcript NM_002075.4 (MANE Select); coding-DNA position 825, C replaced by T.
Protein change: p.Ser275=; no amino-acid change (serine 275 retained).
Molecular consequence: synonymous variant. On other transcripts: 3 prime UTR variant (1).
Genome position (GRCh38, 1-based): chr12:6,845,711, C>T. VCF-style: chr12-6845711-C-T. GRCh37 (hg19) VCF-style: chr12-6954875-C-T.
Other names: 825C-T; c.822C>T, p.Ser274= (NM_001297571.2); c.*1077G>A (NM_001297603.3).
Identifiers: ClinVar variation 226004 (VCV000226004.16), dbSNP rs5443, ClinGen allele CA6417674.
Genomic context (GRCh38, chr12:6,845,711, plus strand): 5'-GCGGGCAGACCAGGAGCTGATCTGCTTCTCCCACGAGAGCATCATCTGCGGCATCACGTC[C>T]GTGGCCTTCTCCCTCAGTGGCCGCCTACTATTCGCTGGCTACGACGACTTCAACTGCAAT-3'
Protein context (NP_002066.1, residues 265-285): SHESIICGIT[Ser275=]VAFSLSGRLL